The following is an entry in ClinVar:

NM_032888.4(COL27A1):c.3622G>C (p.Asp1208His)

Gene: COL27A1 (collagen type XXVII alpha 1 chain; plus strand). Cytogenetic location: 9q32.
Variant type: single nucleotide variant.
Coding change: c.3622G>C on transcript NM_032888.4 (MANE Select); coding-DNA position 3622, G replaced by C.
Protein change: p.Asp1208His; replaces aspartic acid 1208 with histidine.
Molecular consequence: missense variant.
Genome position (GRCh38, 1-based): chr9:114,275,673, G>C. VCF-style: chr9-114275673-G-C. GRCh37 (hg19) VCF-style: chr9-117037953-G-C.
Other names: short protein forms D1208H.
Identifiers: ClinVar variation 2147262 (VCV002147262.1), dbSNP rs777915127, ClinGen allele CA5202565.

ClinVar aggregate classification (germline): Uncertain significance (1 of 4 stars; one submission).

Allele frequency attached by ClinVar (database versions not stated): gnomAD 0.00002; TOPMed 0.00003; ExAC 0.00005.
gnomAD v4.1: 36 of 1,549,228 alleles (0.0023%); highest among the groups gnomAD compares: Admixed American, 0.012%; no homozygotes.

Submission:

Labcorp Genetics (formerly Invitae), Labcorp
Classification: Uncertain significance. Last evaluated: 2022-07-30. Review status: criteria provided, single submitter. Criteria: Invitae Variant Classification Sherloc (09022015). Collection method: clinical testing. Allele origin: germline.
Comment: This sequence change replaces aspartic acid, which is acidic and polar, with histidine, which is basic and polar, at codon 1208 of the COL27A1 protein (p.Asp1208His). This variant is present in population databases (rs777915127, gnomAD 0.02%). This variant has not been reported in the literature in individuals affected with COL27A1-related conditions. Advanced modeling of protein sequence and biophysical properties (such as structural, functional, and spatial information, amino acid conservation, physicochemical variation, residue mobility, and thermodynamic stability) performed at Invitae indicates that this missense variant is not expected to disrupt COL27A1 protein function. In summary, the available evidence is currently insufficient to determine the role of this variant in disease. Therefore, it has been classified as a Variant of Uncertain Significance.